The following is an entry in ClinVar:

NM_005045.4(RELN):c.8182G>A (p.Gly2728Ser)

Genes: RELN (reelin; minus strand), SLC26A5-AS1 (SLC26A5 antisense RNA 1; plus strand). Cytogenetic location: 7q22.1.
Variant type: single nucleotide variant.
Coding change: c.8182G>A on transcript NM_005045.4 (MANE Select); coding-DNA position 8182, G replaced by A.
Protein change: p.Gly2728Ser; replaces glycine 2728 with serine.
Molecular consequence: missense variant.
Genome position (GRCh38, 1-based): chr7:103,510,943, C>T on the plus strand (G>A on the coding strand, the complement: RELN is on the minus strand). VCF-style: chr7-103510943-C-T. GRCh37 (hg19) VCF-style: chr7-103151390-C-T.
Other names: c.8182G>A, p.Gly2728Ser (NM_173054.3); short protein forms G2728S.
Identifiers: ClinVar variation 475990 (VCV000475990.11), dbSNP rs1463489255, ClinGen allele CA368761534.

ClinVar aggregate classification (germline): Uncertain significance (1 of 4 stars; one submission).

Conditions:
Familial temporal lobe epilepsy 7. Identifiers: Orphanet 101046, MedGen C4225327, MONDO:0014639, OMIM 616436.
Norman-Roberts syndrome (LIS2). Also called: Lissencephaly 2 (Norman-Roberts type). Identifiers: Orphanet 89844, MedGen C0796089, MONDO:0009760, OMIM 257320.

Allele frequency attached by ClinVar (database versions not stated): gnomAD 0.00001.

Submission:

Labcorp Genetics (formerly Invitae), Labcorp
Classification: Uncertain significance for Familial temporal lobe epilepsy 7; Norman-Roberts syndrome. Last evaluated: 2019-07-25. Review status: criteria provided, single submitter. Criteria: Invitae Variant Classification Sherloc (09022015). Collection method: clinical testing. Allele origin: germline.
Comment: Algorithms developed to predict the effect of missense changes on protein structure and function do not agree on the potential impact of this missense change (SIFT: "Deleterious"; PolyPhen-2: "Probably Damaging"; Align-GVGD: "Class C0"). In summary, this variant is a novel missense change with uncertain impact on protein function. It has been classified as a Variant of Uncertain Significance. Algorithms developed to predict the effect of sequence changes on RNA splicing suggest that this variant may alter RNA splicing, but this prediction has not been confirmed by published transcriptional studies. This variant is not present in population databases (ExAC no frequency) and has not been reported in the literature in individuals with a RELN-related disease. This sequence change replaces glycine with serine at codon 2728 of the RELN protein (p.Gly2728Ser). The glycine residue is highly conserved and there is a small physicochemical difference between glycine and serine.